The following is an entry in ClinVar:

NM_006929.5(SKIC2):c.3250dup (p.Met1084fs)

Gene: SKIC2 (SKI2 subunit of superkiller complex; plus strand). Cytogenetic location: 6p21.33.
Variant type: Duplication.
Coding change: c.3250dup on transcript NM_006929.5 (MANE Select); coding-DNA position 3250, one base duplicated (A; older notation c.3250dupA).
Protein change: p.Met1084fs; shifts the reading frame from methionine 1084.
Molecular consequence: frameshift variant.
Genome position (GRCh38, 1-based): chr6:31,968,940, A duplicated. VCF-style (leftmost placement, unchanged base first): chr6-31968939-C-CA. GRCh37 (hg19) VCF-style: chr6-31936716-C-CA.
Other names: short protein forms M1084fs.
Identifiers: ClinVar variation 2989944 (VCV002989944.3), dbSNP rs2483004524, ClinGen allele CA2578573548.

ClinVar aggregate classification (germline): Pathogenic (1 of 4 stars; one submission).

Allele frequency attached by ClinVar (database versions not stated): gnomAD exomes 0.00002.

Submission:

Labcorp Genetics (formerly Invitae), Labcorp
Classification: Pathogenic. Last evaluated: 2024-03-01. Review status: criteria provided, single submitter. Criteria: Invitae Variant Classification Sherloc (09022015). Collection method: clinical testing. Allele origin: germline.
Comment: This sequence change creates a premature translational stop signal (p.Met1084Asnfs*5) in the SKIV2L gene. It is expected to result in an absent or disrupted protein product. Loss-of-function variants in SKIV2L are known to be pathogenic (PMID: 22444670). This variant is not present in population databases (gnomAD no frequency). This variant has not been reported in the literature in individuals affected with SKIV2L-related conditions. For these reasons, this variant has been classified as Pathogenic.

Literature cited by the submitters: PubMed 22444670.